The following is an entry in ClinVar:

NM_003640.5(ELP1):c.1050G>A (p.Met350Ile)

Gene: ELP1 (elongator acetyltransferase complex subunit 1; minus strand). Cytogenetic location: 9q31.3.
Variant type: single nucleotide variant.
Coding change: c.1050G>A on transcript NM_003640.5 (MANE Select); coding-DNA position 1050, G replaced by A.
Protein change: p.Met350Ile; replaces methionine 350 with isoleucine.
Molecular consequence: missense variant. On other transcripts: initiator codon variant (1).
Genome position (GRCh38, 1-based): chr9:108,912,403, C>T on the plus strand (G>A on the coding strand, the complement: ELP1 is on the minus strand). VCF-style: chr9-108912403-C-T. GRCh37 (hg19) VCF-style: chr9-111674683-C-T.
Other names: c.1050G>A (LRG_251t1); c.708G>A, p.Met236Ile (NM_001318360.2); c.3G>A, p.Met1Ile (NM_001330749.2); short protein forms M350I, M236I, M1I.
Identifiers: ClinVar variation 455951 (VCV000455951.7), dbSNP rs918763626, ClinGen allele CA197545105.

ClinVar aggregate classification (germline): Uncertain significance. Review status: criteria provided, multiple submitters, no conflicts (2 of 4 stars). 3 submissions from 3 submitters: Uncertain significance (2). 1 of the submissions does not count toward it. Last evaluated 2022-01-26.

Conditions:
Familial dysautonomia. Also called: FD; HSAN III. Identifiers: Orphanet 1764, MedGen C0013364, MONDO:0009131, OMIM 223900. Disease mechanism: loss of function.

Allele frequency attached by ClinVar (database versions not stated): gnomAD 0.00001; TOPMed 0.00002.

Submissions (3):

Ambry Genetics
Classification: Uncertain significance. Last evaluated: 2022-01-26. Review status: criteria provided, single submitter. Criteria: Ambry Variant Classification Scheme 2023. Collection method: clinical testing. Allele origin: germline.

Labcorp Genetics (formerly Invitae), Labcorp
Classification: Uncertain significance. Last evaluated: 2017-07-20. Review status: criteria provided, single submitter. Criteria: Invitae Variant Classification Sherloc (09022015). Collection method: clinical testing. Allele origin: germline.
Comment: This sequence change replaces methionine with isoleucine at codon 350 of the IKBKAP protein (p.Met350Ile). The methionine residue is weakly conserved and there is a small physicochemical difference between methionine and isoleucine. This variant is not present in population databases (ExAC no frequency). This variant has not been reported in the literature in individuals with IKBKAP-related disease. Algorithms developed to predict the effect of missense changes on protein structure and function output the following: SIFT: Tolerated; PolyPhen-2: Benign; Align-GVGD: Class C0. The isoleucine amino acid residue is found in multiple mammalian species, suggesting that this missense change does not adversely affect protein function. These predictions have not been confirmed by published functional studies and their clinical significance is uncertain. In summary, the available evidence is currently insufficient to determine the role of this variant in disease. Therefore, it has been classified as a Variant of Uncertain Significance.

Natera, Inc.
Classification: Uncertain significance for Dysautonomia, familial. Last evaluated: 2019-05-20. Review status: no assertion criteria provided. Collection method: clinical testing. Allele origin: germline. Not counted in ClinVar's aggregate classification.